The following is an entry in ClinVar:

NM_004994.3(MMP9):c.928G>T (p.Gly310Cys)

Gene: MMP9 (matrix metallopeptidase 9; plus strand). Cytogenetic location: 20q13.12.
Variant type: single nucleotide variant.
Coding change: c.928G>T on transcript NM_004994.3 (MANE Select); coding-DNA position 928, G replaced by T.
Protein change: p.Gly310Cys; replaces glycine 310 with cysteine.
Molecular consequence: missense variant.
Genome position (GRCh38, 1-based): chr20:46,011,678, G>T. VCF-style: chr20-46011678-G-T. GRCh37 (hg19) VCF-style: chr20-44640317-G-T.
Other names: short protein forms G310C.
Identifiers: ClinVar variation 4703890 (VCV004703890.1).

ClinVar aggregate classification (germline): Uncertain significance (1 of 4 stars; one submission).

gnomAD v4.1: 1 of 1,613,998 alleles (0.000062%); highest among the groups gnomAD compares: South Asian, 0.0011%; no homozygotes.

Submission:

Labcorp Genetics (formerly Invitae), Labcorp
Classification: Uncertain significance. Last evaluated: 2025-04-27. Review status: criteria provided, single submitter. Criteria: Invitae Variant Classification Sherloc (09022015). Collection method: clinical testing. Allele origin: germline.
Comment: This sequence change replaces glycine, which is neutral and non-polar, with cysteine, which is neutral and slightly polar, at codon 310 of the MMP9 protein (p.Gly310Cys). This variant is not present in population databases (gnomAD no frequency). This variant has not been reported in the literature in individuals affected with MMP9-related conditions. Invitae Evidence Modeling of protein sequence and biophysical properties (such as structural, functional, and spatial information, amino acid conservation, physicochemical variation, residue mobility, and thermodynamic stability) has been performed for this missense variant. However, the output from this modeling did not meet the statistical confidence thresholds required to predict the impact of this variant on MMP9 protein function. In summary, the available evidence is currently insufficient to determine the role of this variant in disease. Therefore, it has been classified as a Variant of Uncertain Significance.